The following is an entry in ClinVar:

ClinVar aggregate classification (germline): Uncertain significance (1 of 4 stars; one submission).

Conditions:
Hypertrophic cardiomyopathy 26. Also called: Cardiomyopathy, familial hypertrophic, 26. Identifiers: Orphanet 75249, MedGen C4310749, MONDO:0014883, OMIM 617047.
Myofibrillar myopathy 5. Also called: Filaminopathy (type); FILAMINOPATHY, AUTOSOMAL DOMINANT. Identifiers: Orphanet 171445, MedGen C1836050, MONDO:0012289, OMIM 609524.
Distal myopathy with posterior leg and anterior hand involvement. Also called: WILLIAMS DISTAL MYOPATHY. Identifiers: Orphanet 63273, MedGen C3279722, MONDO:0013550, OMIM 614065.

gnomAD v4.1: 2 of 1,614,156 alleles (0.00012%); highest among the groups gnomAD compares: Non-Finnish European, 0.00017%; no homozygotes.

Submission:

Labcorp Genetics (formerly Invitae), Labcorp
Classification: Uncertain significance for Distal myopathy with posterior leg and anterior hand involvement; Myofibrillar myopathy 5; Hypertrophic cardiomyopathy 26. Last evaluated: 2024-10-24. Review status: criteria provided, single submitter. Criteria: Invitae Variant Classification Sherloc (09022015). Collection method: clinical testing. Allele origin: germline.
Comment: This sequence change replaces aspartic acid, which is acidic and polar, with asparagine, which is neutral and polar, at codon 685 of the FLNC protein (p.Asp685Asn). This variant is not present in population databases (gnomAD no frequency). This variant has not been reported in the literature in individuals affected with FLNC-related conditions. Invitae Evidence Modeling of protein sequence and biophysical properties (such as structural, functional, and spatial information, amino acid conservation, physicochemical variation, residue mobility, and thermodynamic stability) has been performed for this missense variant. However, the output from this modeling did not meet the statistical confidence thresholds required to predict the impact of this variant on FLNC protein function. In summary, the available evidence is currently insufficient to determine the role of this variant in disease. Therefore, it has been classified as a Variant of Uncertain Significance.

NM_001458.5(FLNC):c.2053G>A (p.Asp685Asn)

Gene: FLNC (filamin C; plus strand). Cytogenetic location: 7q32.1.
Variant type: single nucleotide variant.
Coding change: c.2053G>A on transcript NM_001458.5 (MANE Select); coding-DNA position 2053, G replaced by A.
Protein change: p.Asp685Asn; replaces aspartic acid 685 with asparagine.
Molecular consequence: missense variant.
Genome position (GRCh38, 1-based): chr7:128,841,499, G>A. VCF-style: chr7-128841499-G-A. GRCh37 (hg19) VCF-style: chr7-128481553-G-A.
Other names: c.2053G>A, p.Asp685Asn (NM_001127487.2); short protein forms D685N.
Identifiers: ClinVar variation 2939934 (VCV002939934.3), dbSNP rs2536628951, ClinGen allele CA369227821.